The following is an entry in ClinVar:

NM_001843.4(CNTN1):c.40T>A (p.Ser14Thr)

Gene: CNTN1 (contactin 1; plus strand). Cytogenetic location: 12q12.
Variant type: single nucleotide variant.
Coding change: c.40T>A on transcript NM_001843.4 (MANE Select); coding-DNA position 40, T replaced by A.
Protein change: p.Ser14Thr; replaces serine 14 with threonine.
Molecular consequence: missense variant.
Genome position (GRCh38, 1-based): chr12:40,908,472, T>A. VCF-style: chr12-40908472-T-A. GRCh37 (hg19) VCF-style: chr12-41302274-T-A.
Other names: c.40T>A, p.Ser14Thr (NM_001256063.2, NM_001256064.2, NM_175038.2); short protein forms S14T.
Identifiers: ClinVar variation 1008761 (VCV001008761.7), dbSNP rs145406782, ClinGen allele CA6516494.

ClinVar aggregate classification (germline): Uncertain significance (1 of 4 stars; one submission).

Conditions:
Compton-North congenital myopathy (CMYO12). Identifiers: Orphanet 210163, MedGen C2675527, MONDO:0012929, OMIM 612540.

Allele frequency attached by ClinVar (database versions not stated): gnomAD exomes below 0.00001; ExAC 0.00001; ESP Exome Variant Server 0.00008.

Submission:

Labcorp Genetics (formerly Invitae), Labcorp
Classification: Uncertain significance for Compton-North congenital myopathy. Last evaluated: 2020-08-09. Review status: criteria provided, single submitter. Criteria: Invitae Variant Classification Sherloc (09022015). Collection method: clinical testing. Allele origin: germline.
Comment: This sequence change replaces serine with threonine at codon 14 of the CNTN1 protein (p.Ser14Thr). The serine residue is moderately conserved and there is a small physicochemical difference between serine and threonine. This variant is present in population databases (rs145406782, ExAC 0.002%). This variant has not been reported in the literature in individuals with CNTN1-related conditions. Algorithms developed to predict the effect of missense changes on protein structure and function (SIFT, PolyPhen-2, Align-GVGD) all suggest that this variant is likely to be tolerated, but these predictions have not been confirmed by published functional studies and their clinical significance is uncertain. In summary, the available evidence is currently insufficient to determine the role of this variant in disease. Therefore, it has been classified as a Variant of Uncertain Significance.